The following is an entry in ClinVar:

ClinVar aggregate classification (germline): Conflicting classifications of pathogenicity. Review status: criteria provided, conflicting classifications (1 of 4 stars). 9 submissions from 9 submitters: Uncertain significance (3); Likely benign (4). 2 of the submissions do not count toward it. Last evaluated 2026-01-25.

Conditions:
Hematuria, benign familial, 1 (BFH1). Also called: THIN MEMBRANE NEPHROPATHY. Identifiers: MedGen CN376803, MONDO:0007709, OMIM 141200.
Alport syndrome. Also called: Hemorrhagic familial nephritis; Hemorrhagic hereditary nephritis; Congenital hereditary hematuria. Identifiers: Orphanet 63, MedGen C1567741, MONDO:0018965.
Autosomal dominant Alport syndrome (ATS3A). Also called: ALPORT SYNDROME 3A, AUTOSOMAL DOMINANT; Alport syndrome dominant type; Renal failure and sensorineural hearing loss. Identifiers: Orphanet 63, Orphanet 88918, MedGen C5882663, MONDO:0007086, OMIM 104200.
COL4A3-related disorder. Also called: COL4A3-Related Disorders; COL4A3-related condition.
Inborn genetic diseases. Identifiers: MedGen C0950123, MeSH D030342.

Allele frequency attached by ClinVar (database versions not stated): gnomAD exomes 0.00003 and 0.00014; gnomAD 0.00011 and 0.00012; TOPMed 0.00012; ExAC 0.00013.
gnomAD v4.1: 101 of 1,614,020 alleles (0.0063%); highest among the groups gnomAD compares: East Asian, 0.091%; 1 homozygote.

Submissions (9):

Labcorp Genetics (formerly Invitae), Labcorp
Classification: Likely benign. Last evaluated: 2026-01-25. Review status: criteria provided, single submitter. Criteria: Invitae Variant Classification Sherloc (09022015). Collection method: clinical testing. Allele origin: germline.

CeGaT Center for Human Genetics Tuebingen
Classification: Uncertain significance. Last evaluated: 2024-02-01. Review status: criteria provided, single submitter. Criteria: CeGaT Center For Human Genetics Tuebingen Variant Classification Criteria Version 2. Collection method: clinical testing. Allele origin: germline. Affected: yes. Observed: 1 variant allele.
Comment: COL4A3: PM1

Ambry Genetics
Classification: Likely benign for Inborn genetic diseases. Last evaluated: 2023-10-29. Review status: criteria provided, single submitter. Criteria: Ambry Variant Classification Scheme 2023. Collection method: clinical testing. Allele origin: germline.

GeneDx
Classification: Likely benign. Last evaluated: 2020-07-21. Review status: criteria provided, single submitter. Criteria: GeneDx Variant Classification Process June 2021. Collection method: clinical testing. Allele origin: germline. Affected: yes.

Victorian Clinical Genetics Services, Murdoch Childrens Research Institute
Classification: Uncertain significance for Alport syndrome. Last evaluated: 2020-05-25. Review status: criteria provided, single submitter. Criteria: ACMG Guidelines, 2015. Collection method: clinical testing. Allele origin: germline. Inheritance: Autosomal dominant inheritance. Affected: yes.
Comment: Based on the classification scheme VCGS_Germline_v1.1.1, this variant is classified as 3C - VUS. Following criteria are met: 0102 - Loss-of-function is a known mechanism of disease for this gene. (N) 0108 - This gene is known to be associated with both recessive and dominant disease (OMIM). (N) 0200 - Variant is predicted to result in a missense amino acid change from proline to leucine (exon 26). (N) 0251 - Variant is heterozygous. (N) 0304 - Variant is present in gnomAD <0.001 for a dominant condition (39 heterozyogtes, 1 homozygote). (P) 0502 - Missense variant with conflicting in-silico predictions and/or uninformative conservation. (N) 0504 - Same amino acid change has been observed in mammals. (B) 0600 - Variant is located in an annotated domain or motif (collagen triple helix repeat; PDB, NCBI), but is not affecting glycine of the Gly-X-Y repeats. (N) 0705 - No comparable variants have previous evidence for pathogenicity. (N) 0807 - Variant has not previously been reported in a clinical context. (N) 0905 - No segregation evidence has been identified for this variant. (N) 1007 - No published functional evidence has been identified for this variant. (N) 1208 - Inheritance information for this variant is not currently available. (N) Legend: (P) - Pathogenic, (N) - Neutral, (B) - Benign

Department of Nephrology, Rheumatology and Immunology, Shanghai Children's Hospital
Classification: Uncertain significance for Hematuria, benign familial, 1. Last evaluated: 2018-08-29. Review status: criteria provided, single submitter. Criteria: ACMG Guidelines, 2015. Collection method: clinical testing. Allele origin: de novo. Affected: yes. Observed: 1 variant allele.
Comment: The variant c.1790C>T (exon 26, NM_000091.5) induces the amino acid change p.Pro597Leu. Its maximum allele frequency is 0.002 across the 1000 Genomes, ExAC and gnomAD databases, and it is defined as VUS (variant of uncertain significance) based on ACMG standards.

Institute of Human Genetics, University of Leipzig Medical Center
Classification: Likely benign for Autosomal dominant Alport syndrome. Last evaluated: 2017-09-26. Review status: criteria provided, single submitter. Criteria: ACMG Guidelines, 2015. Collection method: clinical testing. Allele origin: unknown. Inheritance: Autosomal dominant inheritance. Affected: yes.
Comment: Criteria applied: BP4, BS1

PreventionGenetics, part of Exact Sciences
Classification: Likely benign for COL4A3-related condition. Last evaluated: 2022-06-30. Review status: no assertion criteria provided. Collection method: clinical testing. Allele origin: germline. Not counted in ClinVar's aggregate classification.
Comment: This variant is classified as likely benign based on ACMG/AMP sequence variant interpretation guidelines (Richards et al. 2015 PMID: 25741868, with internal and published modifications).

Natera, Inc.
Classification: Uncertain significance for Alport syndrome. Last evaluated: 2020-02-13. Review status: no assertion criteria provided. Collection method: clinical testing. Allele origin: germline. Not counted in ClinVar's aggregate classification.

NM_000091.5(COL4A3):c.1790C>T (p.Pro597Leu)

Genes: COL4A3 (collagen type IV alpha 3 chain; plus strand), MFF-DT (MFF divergent transcript; minus strand). Cytogenetic location: 2q36.3.
Variant type: single nucleotide variant.
Coding change: c.1790C>T on transcript NM_000091.5 (MANE Select); coding-DNA position 1790, C replaced by T.
Protein change: p.Pro597Leu; replaces proline 597 with leucine.
Molecular consequence: missense variant.
Genome position (GRCh38, 1-based): chr2:227,272,980, C>T. VCF-style: chr2-227272980-C-T. GRCh37 (hg19) VCF-style: chr2-228137696-C-T.
Other names: short protein forms P597L.
Identifiers: ClinVar variation 729606 (VCV000729606.42), dbSNP rs781163705, ClinGen allele CA2146765.